The following is an entry in ClinVar:

ClinVar aggregate classification (germline): Uncertain significance (1 of 4 stars; one submission).

Conditions:
Hereditary cancer-predisposing syndrome. Also called: Neoplastic Syndromes, Hereditary; Hereditary Cancer Syndrome; Tumor predisposition; Hereditary neoplastic syndrome. Identifiers: Orphanet 140162, MedGen C0027672, MeSH D009386, MONDO:0015356.

Submission:

Ambry Genetics
Classification: Uncertain significance for Hereditary cancer-predisposing syndrome. Last evaluated: 2023-02-04. Review status: criteria provided, single submitter. Criteria: Ambry Variant Classification Scheme 2023. Collection method: clinical testing. Allele origin: germline.
Comment: The p.D620G variant (also known as c.1859A>G), located in coding exon 12 of the CTNNA1 gene, results from an A to G substitution at nucleotide position 1859. The aspartic acid at codon 620 is replaced by glycine, an amino acid with similar properties. This amino acid position is conserved. In addition, this alteration is predicted to be deleterious by in silico analysis. Since supporting evidence is limited at this time, the clinical significance of this alteration remains unclear.

NM_001903.5(CTNNA1):c.1859A>G (p.Asp620Gly)

Gene: CTNNA1 (catenin alpha 1; plus strand). Cytogenetic location: 5q31.2.
Variant type: single nucleotide variant.
Coding change: c.1859A>G on transcript NM_001903.5 (MANE Select); coding-DNA position 1859, A replaced by G.
Protein change: p.Asp620Gly; replaces aspartic acid 620 with glycine.
Molecular consequence: missense variant.
Genome position (GRCh38, 1-based): chr5:138,925,367, A>G. VCF-style: chr5-138925367-A-G. GRCh37 (hg19) VCF-style: chr5-138261056-A-G.
Other names: c.1859A>G, p.Asp620Gly (NM_001290307.3, NM_001323982.2, NM_001323983.1 and 2 more transcripts); c.1550A>G, p.Asp517Gly (NM_001290309.3); c.1490A>G, p.Asp497Gly (NM_001290310.3); c.749A>G, p.Asp250Gly (NM_001290312.1, NM_001323987.1, NM_001323988.1 and 17 more transcripts); c.1766A>G, p.Asp589Gly (NM_001323986.2); c.410A>G, p.Asp137Gly (NM_001324006.1, NM_001324007.1, NM_001324008.1 and 2 more transcripts); c.656A>G, p.Asp219Gly (NM_001324011.1); c.506A>G, p.Asp169Gly (NM_001324012.1, NM_001324013.1); short protein forms D250G, D169G, D517G, D497G, D589G, D137G, D219G, D620G.
Identifiers: ClinVar variation 2448348 (VCV002448348.2), dbSNP rs2533736345, ClinGen allele CA361132362.